The following is an entry in ClinVar:

NM_000170.3(GLDC):c.1762G>C (p.Ala588Pro)

Gene: GLDC (glycine decarboxylase; minus strand). Cytogenetic location: 9p24.1.
Variant type: single nucleotide variant.
Coding change: c.1762G>C on transcript NM_000170.3 (MANE Select); coding-DNA position 1762, G replaced by C.
Protein change: p.Ala588Pro; replaces alanine 588 with proline.
Molecular consequence: missense variant.
Genome position (GRCh38, 1-based): chr9:6,587,229, C>G on the plus strand (G>C on the coding strand, the complement: GLDC is on the minus strand). VCF-style: chr9-6587229-C-G. GRCh37 (hg19) VCF-style: chr9-6587229-C-G.
Other names: short protein forms A588P.
Identifiers: ClinVar variation 660731 (VCV000660731.3), dbSNP rs780654157, ClinGen allele CA4980544.

ClinVar aggregate classification (germline): Uncertain significance (1 of 4 stars; one submission).

Conditions:
Glycine encephalopathy. Also called: Non-ketotic hyperglycinemia; Nonketotic hyperglycinemia. Identifiers: Orphanet 407, MedGen C0751748, MONDO:0011612, HP:0008288.

Allele frequency attached by ClinVar (database versions not stated): gnomAD 0.00001; gnomAD exomes 0.00004; ExAC 0.00007.
gnomAD v4.1: 23 of 1,613,856 alleles (0.0014%); highest among the groups gnomAD compares: Non-Finnish European, 0.0015%; no homozygotes.

Submission:

Labcorp Genetics (formerly Invitae), Labcorp
Classification: Uncertain significance for Glycine encephalopathy. Last evaluated: 2021-09-01. Review status: criteria provided, single submitter. Criteria: Invitae Variant Classification Sherloc (09022015). Collection method: clinical testing. Allele origin: germline.
Comment: This sequence change replaces alanine with proline at codon 588 of the GLDC protein (p.Ala588Pro). The alanine residue is highly conserved and there is a small physicochemical difference between alanine and proline. This variant is present in population databases (rs780654157, ExAC 0.01%). This variant has not been reported in the literature in individuals affected with GLDC-related conditions. Algorithms developed to predict the effect of missense changes on protein structure and function are either unavailable or do not agree on the potential impact of this missense change (SIFT: "Deleterious"; PolyPhen-2: "Possibly Damaging"; Align-GVGD: "Class C0"). In summary, the available evidence is currently insufficient to determine the role of this variant in disease. Therefore, it has been classified as a Variant of Uncertain Significance.